The following is an entry in ClinVar:

NM_198428.3(BBS9):c.2033G>T (p.Arg678Leu)

Gene: BBS9 (Bardet-Biedl syndrome 9; plus strand). Cytogenetic location: 7p14.3.
Variant type: single nucleotide variant.
Coding change: c.2033G>T on transcript NM_198428.3 (MANE Select); coding-DNA position 2033, G replaced by T.
Protein change: p.Arg678Leu; replaces arginine 678 with leucine.
Molecular consequence: missense variant. On other transcripts: non-coding transcript variant (3).
Genome position (GRCh38, 1-based): chr7:33,388,062, G>T. VCF-style: chr7-33388062-G-T. GRCh37 (hg19) VCF-style: chr7-33427674-G-T.
Other names: c.1928G>T, p.Arg643Leu (NM_001033604.2); c.2018G>T, p.Arg673Leu (NM_001033605.2); c.2033G>T, p.Arg678Leu (NM_001348036.1, NM_001348041.4, NM_001348043.3 and 1 more transcripts); c.1667G>T, p.Arg556Leu (NM_001348037.3, NM_001348045.3, NM_001348046.3); c.1760G>T, p.Arg587Leu (NM_001348038.3); c.1655G>T, p.Arg552Leu (NM_001348039.3); c.1913G>T, p.Arg638Leu (NM_001348040.3, NM_014451.4); c.1898G>T, p.Arg633Leu (NM_001348042.3); and 1 more; short protein forms R521L, R552L, R556L, R587L, R633L, R638L, R643L, R673L.
Identifiers: ClinVar variation 4082921 (VCV004082921.1).

ClinVar aggregate classification (germline): Uncertain significance (1 of 4 stars; one submission).

Submission:

GeneDx
Classification: Uncertain significance. Last evaluated: 2025-03-08. Review status: criteria provided, single submitter. Criteria: GeneDx Variant Classification Process June 2021. Collection method: clinical testing. Allele origin: germline. Affected: yes.
Comment: Not observed at significant frequency in large population cohorts (gnomAD); In silico analysis supports that this missense variant has a deleterious effect on protein structure/function; Has not been previously published as pathogenic or benign to our knowledge